The following is an entry in ClinVar:

ClinVar aggregate classification (germline): Uncertain significance. Review status: criteria provided, multiple submitters, no conflicts (2 of 4 stars). 3 submissions from 3 submitters: Uncertain significance (3). Last evaluated 2025-02-13.

Conditions:
Hereditary cancer-predisposing syndrome. Also called: Neoplastic Syndromes, Hereditary; Tumor predisposition; Hereditary Cancer Syndrome; Hereditary neoplastic syndrome. Identifiers: Orphanet 140162, MedGen C0027672, MeSH D009386, MONDO:0015356.
Gastrointestinal stromal tumor. Also called: Gastrointestinal stromal tumor, somatic; Gastrointestinal stroma tumor. Identifiers: Orphanet 44890, MedGen C0238198, MeSH D046152, MONDO:0011719, OMIM 606764, HP:0100723.

Allele frequency attached by ClinVar (database versions not stated): gnomAD exomes below 0.00001 and 0.00001; TOPMed below 0.00001; ExAC 0.00001; gnomAD 0.00001.

Submissions (3):

Ambry Genetics
Classification: Uncertain significance for Hereditary cancer-predisposing syndrome. Last evaluated: 2025-02-13. Review status: criteria provided, single submitter. Criteria: Ambry Variant Classification Scheme 2023. Collection method: clinical testing. Allele origin: germline.
Comment: The p.Q919H variant (also known as c.2757A>T), located in coding exon 20 of the KIT gene, results from an A to T substitution at nucleotide position 2757. The glutamine at codon 919 is replaced by histidine, an amino acid with highly similar properties. This amino acid position is conserved. In addition, the in silico prediction for this alteration is inconclusive. Based on the available evidence, the clinical significance of this variant remains unclear.

Labcorp Genetics (formerly Invitae), Labcorp
Classification: Uncertain significance for Gastrointestinal stromal tumor. Last evaluated: 2024-03-20. Review status: criteria provided, single submitter. Criteria: Invitae Variant Classification Sherloc (09022015). Collection method: clinical testing. Allele origin: germline.
Comment: This sequence change replaces glutamine, which is neutral and polar, with histidine, which is basic and polar, at codon 919 of the KIT protein (p.Gln919His). This variant is present in population databases (rs770617877, gnomAD 0.002%). This variant has not been reported in the literature in individuals affected with KIT-related conditions. ClinVar contains an entry for this variant (Variation ID: 657250). An algorithm developed to predict the effect of missense changes on protein structure and function (PolyPhen-2) suggests that this variant is likely to be disruptive. In summary, the available evidence is currently insufficient to determine the role of this variant in disease. Therefore, it has been classified as a Variant of Uncertain Significance.

Institute for Clinical Genetics, University Hospital TU Dresden, University Hospital TU Dresden
Classification: Uncertain significance. Last evaluated: 2021-11-03. Review status: criteria provided, single submitter. Criteria: ACMG Guidelines, 2015. Collection method: clinical testing. Allele origin: germline.

NM_000222.3(KIT):c.2757A>T (p.Gln919His)

Gene: KIT (KIT proto-oncogene, receptor tyrosine kinase; plus strand). Cytogenetic location: 4q12.
Variant type: single nucleotide variant.
Coding change: c.2757A>T on transcript NM_000222.3 (MANE Select); coding-DNA position 2757, A replaced by T.
Protein change: p.Gln919His; replaces glutamine 919 with histidine.
Molecular consequence: missense variant.
Genome position (GRCh38, 1-based): chr4:54,737,235, A>T. VCF-style: chr4-54737235-A-T. GRCh37 (hg19) VCF-style: chr4-55603401-A-T.
Other names: c.2745A>T, p.Gln915His (NM_001093772.2, NM_001385292.1); c.2760A>T, p.Gln920His (NM_001385284.1); c.2754A>T, p.Gln918His (NM_001385285.1); c.2742A>T, p.Gln914His (NM_001385286.1); c.2748A>T, p.Gln916His (NM_001385288.1); c.2757A>T, p.Gln919His (NM_001385290.1); short protein forms Q919H, Q915H, Q914H, Q916H, Q918H, Q920H.
Identifiers: ClinVar variation 657250 (VCV000657250.13), dbSNP rs770617877, ClinGen allele CA2923847.